The following is an entry in ClinVar:

NM_022787.4:c.(-57+1_-1)_(439+1_440-1)dup

Gene: NMNAT1 (nicotinamide nucleotide adenylyltransferase 1; plus strand).
Variant type: Duplication.
Other names: c.(-57+1_-1)_(439+1_440-1)dup (NM_022787.4).
Identifiers: ClinVar variation 4845388 (VCV004845388.1).

ClinVar aggregate classification (germline): Likely pathogenic (1 of 4 stars; one submission).

Conditions:
Spondyloepiphyseal dysplasia, sensorineural hearing loss, impaired intellectual development, and leber congenital amaurosis. Also called: SHILCA SYNDROME. Identifiers: Orphanet 611207, MedGen C5543257, MONDO:0031007, OMIM 619260.

Submission:

Institute of Human Genetics, University of Leipzig Medical Center
Classification: Likely pathogenic for Spondyloepiphyseal dysplasia, sensorineural hearing loss, impaired intellectual development, and leber congenital amaurosis. Last evaluated: 2026-03-23. Review status: criteria provided, single submitter. Criteria: ACMG Guidelines, 2015. Collection method: clinical testing. Allele origin: unknown. Inheritance: Autosomal recessive inheritance. Affected: yes.
Comment: Criteria applied: PVS1_STR, PM2, PM3